The following is an entry in ClinVar:

NM_020366.4(RPGRIP1):c.2693A>G (p.Lys898Arg)

Gene: RPGRIP1 (RPGR interacting protein 1; plus strand). Cytogenetic location: 14q11.2.
Variant type: single nucleotide variant.
Coding change: c.2693A>G on transcript NM_020366.4 (MANE Select); coding-DNA position 2693, A replaced by G.
Protein change: p.Lys898Arg; replaces lysine 898 with arginine.
Molecular consequence: missense variant. On other transcripts: intron variant (4).
Genome position (GRCh38, 1-based): chr14:21,326,156, A>G. VCF-style: chr14-21326156-A-G. GRCh37 (hg19) VCF-style: chr14-21794315-A-G.
Other names: c.1619A>G, p.Lys540Arg (NM_001377948.1); c.796+1431A>G (NM_001377949.1); c.689-1467A>G (NM_001377523.1, NM_001377950.1); c.191-1467A>G (NM_001377951.1); c.2693A>G (NM_020366.3); short protein forms K540R, K898R.
Identifiers: ClinVar variation 1504931 (VCV001504931.10), dbSNP rs1330207465, ClinGen allele CA388869610.
Genomic context (GRCh38, chr14:21,326,156, plus strand): 5'-AAGACTTAGAGCCTGGCTCGTATCTTGGCCGAGCCCGAGTGCCTTTACTGCCTCTTGCAA[A>G]AAATGAATCTATCAAAGGTGGGAGTTCGAGGTTATTACATCTTCACGCCCTCTTCCCAGT-3'
Protein context (NP_065099.3, residues 888-908): RARVPLLPLA[Lys898Arg]NESIKGDFNL

ClinVar aggregate classification (germline): Uncertain significance. Review status: criteria provided, multiple submitters, no conflicts (2 of 4 stars). 3 submissions from 3 submitters: Uncertain significance (3). Last evaluated 2026-09-09.

Conditions:
Cone-rod dystrophy 13 (CORD13). Identifiers: Orphanet 1872, MedGen C2750720, MONDO:0011987, OMIM 608194.
Leber congenital amaurosis 6 (LCA6). Identifiers: Orphanet 65, MedGen C1854260, MONDO:0013446, OMIM 613826.
Inborn genetic diseases. Identifiers: MedGen C0950123, MeSH D030342.

Allele frequency attached by ClinVar (database versions not stated): TOPMed 0.00003; gnomAD exomes below 0.00001; gnomAD 0.00001.
gnomAD v4.1: 4 of 1,572,992 alleles (0.00025%); highest among the groups gnomAD compares: Admixed American, 0.0036%; no homozygotes.

Submissions (3):

Ambry Genetics
Classification: Uncertain significance for Inborn genetic diseases. Last evaluated: 2026-09-09. Review status: criteria provided, single submitter. Criteria: Ambry Variant Classification Scheme 2023. Collection method: clinical testing. Allele origin: germline.

Labcorp Genetics (formerly Invitae), Labcorp
Classification: Uncertain significance for Leber congenital amaurosis 6; Cone-rod dystrophy 13. Last evaluated: 2024-11-18. Review status: criteria provided, single submitter. Criteria: Invitae Variant Classification Sherloc (09022015). Collection method: clinical testing. Allele origin: germline.
Comment: This sequence change replaces lysine, which is basic and polar, with arginine, which is basic and polar, at codon 898 of the RPGRIP1 protein (p.Lys898Arg). This variant is not present in population databases (gnomAD no frequency). This variant has not been reported in the literature in individuals affected with RPGRIP1-related conditions. ClinVar contains an entry for this variant (Variation ID: 1504931). Invitae Evidence Modeling of protein sequence and biophysical properties (such as structural, functional, and spatial information, amino acid conservation, physicochemical variation, residue mobility, and thermodynamic stability) indicates that this missense variant is not expected to disrupt RPGRIP1 protein function with a negative predictive value of 80%. In summary, the available evidence is currently insufficient to determine the role of this variant in disease. Therefore, it has been classified as a Variant of Uncertain Significance.

Blueprint Genetics
Classification: Uncertain significance. Last evaluated: 2021-11-16. Review status: criteria provided, single submitter. Criteria: ACMG Guidelines, 2015. Collection method: clinical testing. Allele origin: germline.